The following is an entry in ClinVar:

ClinVar aggregate classification (germline): Uncertain significance. Review status: criteria provided, multiple submitters, no conflicts (2 of 4 stars). 2 submissions from 2 submitters: Uncertain significance (2). Last evaluated 2024-05-21.

Conditions:
Hereditary pheochromocytoma and paraganglioma. Also called: Hereditary paragangliomas and pheochromocytomas; Hereditary Paraganglioma-Pheochromocytoma Syndromes; Hereditary pheochromocytoma-paraganglioma. Identifiers: Orphanet 29072, MedGen C4274332, MONDO:0017366.
Hereditary cancer-predisposing syndrome. Also called: Tumor predisposition; Hereditary Cancer Syndrome; Hereditary neoplastic syndrome; Neoplastic Syndromes, Hereditary. Identifiers: Orphanet 140162, MedGen C0027672, MeSH D009386, MONDO:0015356.

Allele frequency attached by ClinVar (database versions not stated): gnomAD exomes below 0.00001; TOPMed below 0.00001.
gnomAD v4.1: 2 of 1,504,240 alleles (0.00013%); highest among the groups gnomAD compares: Non-Finnish European, 0.00018%; no homozygotes.

Submissions (2):

Ambry Genetics
Classification: Uncertain significance for Hereditary cancer-predisposing syndrome. Last evaluated: 2024-05-21. Review status: criteria provided, single submitter. Criteria: Ambry Variant Classification Scheme 2023. Collection method: clinical testing. Allele origin: germline.
Comment: The p.G12R variant (also known as c.34G>A), located in coding exon 1 of the TMEM127 gene, results from a G to A substitution at nucleotide position 34. The glycine at codon 12 is replaced by arginine, an amino acid with dissimilar properties. This amino acid position is highly conserved in available vertebrate species. In addition, the in silico prediction for this alteration is inconclusive. Based on the available evidence, the clinical significance of this variant remains unclear.

Labcorp Genetics (formerly Invitae), Labcorp
Classification: Uncertain significance for Hereditary pheochromocytoma and paraganglioma. Last evaluated: 2024-04-10. Review status: criteria provided, single submitter. Criteria: Invitae Variant Classification Sherloc (09022015). Collection method: clinical testing. Allele origin: germline.
Comment: This sequence change replaces glycine, which is neutral and non-polar, with arginine, which is basic and polar, at codon 12 of the TMEM127 protein (p.Gly12Arg). This variant is not present in population databases (gnomAD no frequency). This variant has not been reported in the literature in individuals affected with TMEM127-related conditions. ClinVar contains an entry for this variant (Variation ID: 1442794). Experimental studies and prediction algorithms are not available or were not evaluated, and the functional significance of this variant is currently unknown. In summary, the available evidence is currently insufficient to determine the role of this variant in disease. Therefore, it has been classified as a Variant of Uncertain Significance.

NM_017849.4(TMEM127):c.34G>A (p.Gly12Arg)

Genes: TMEM127 (transmembrane protein 127; minus strand), LOC129934333 (ATAC-STARR-seq lymphoblastoid silent region 11759; plus strand). Cytogenetic location: 2q11.2.
Variant type: single nucleotide variant.
Coding change: c.34G>A on transcript NM_017849.4 (MANE Select); coding-DNA position 34, G replaced by A.
Protein change: p.Gly12Arg; replaces glycine 12 with arginine.
Molecular consequence: missense variant.
Genome position (GRCh38, 1-based): chr2:96,265,348, C>T on the plus strand (G>A on the coding strand, the complement: TMEM127 is on the minus strand). VCF-style: chr2-96265348-C-T. GRCh37 (hg19) VCF-style: chr2-96931086-C-T.
Other names: c.34G>A, p.Gly12Arg (NM_001193304.3); c.34G>A (NM_017849.3); short protein forms G12R.
Identifiers: ClinVar variation 1442794 (VCV001442794.9), dbSNP rs1684396039, ClinGen allele CA347656275.